The following is an entry in ClinVar:

ClinVar aggregate classification (germline): Uncertain significance (1 of 4 stars; one submission).

Conditions:
Hereditary sensory and autonomic neuropathy type 1 (HSAN1). Also called: HSAN 1; HSN Type I; Hereditary Sensory Neuropathy Type I. Identifiers: Orphanet 36386, MedGen C0020071, MONDO:0018213.

Submission:

Labcorp Genetics (formerly Invitae), Labcorp
Classification: Uncertain significance for Hereditary sensory and autonomic neuropathy type 1. Last evaluated: 2022-10-22. Review status: criteria provided, single submitter. Criteria: Invitae Variant Classification Sherloc (09022015). Collection method: clinical testing. Allele origin: germline.
Comment: In summary, the available evidence is currently insufficient to determine the role of this variant in disease. Therefore, it has been classified as a Variant of Uncertain Significance. Advanced modeling of protein sequence and biophysical properties (such as structural, functional, and spatial information, amino acid conservation, physicochemical variation, residue mobility, and thermodynamic stability) performed at Invitae indicates that this missense variant is not expected to disrupt SPTLC1 protein function. ClinVar contains an entry for this variant (Variation ID: 1045973). This variant has not been reported in the literature in individuals affected with SPTLC1-related conditions. This variant is not present in population databases (gnomAD no frequency). This sequence change replaces leucine, which is neutral and non-polar, with valine, which is neutral and non-polar, at codon 146 of the SPTLC1 protein (p.Leu146Val).

NM_006415.4(SPTLC1):c.436T>G (p.Leu146Val)

Gene: SPTLC1 (serine palmitoyltransferase long chain base subunit 1; minus strand). Cytogenetic location: 9q22.31.
Variant type: single nucleotide variant.
Coding change: c.436T>G on transcript NM_006415.4 (MANE Select); coding-DNA position 436, T replaced by G.
Protein change: p.Leu146Val; replaces leucine 146 with valine.
Molecular consequence: missense variant. On other transcripts: 5 prime UTR variant (1).
Genome position (GRCh38, 1-based): chr9:92,068,090, A>C on the plus strand (T>G on the coding strand, the complement: SPTLC1 is on the minus strand). VCF-style: chr9-92068090-A-C. GRCh37 (hg19) VCF-style: chr9-94830372-A-C.
Other names: c.436T>G, p.Leu146Val (NM_001281303.2); c.70T>G, p.Leu24Val (NM_001368272.1); c.-30T>G (NM_001368273.1); short protein forms L146V, L24V.
Identifiers: ClinVar variation 1045973 (VCV001045973.8), dbSNP rs1834357727, ClinGen allele CA373799031.